The following is an entry in ClinVar:

ClinVar aggregate classification (germline): Likely benign. Review status: criteria provided, multiple submitters, no conflicts (2 of 4 stars). 2 submissions from 2 submitters: Likely benign (2). Last evaluated 2025-06-10.

Conditions:
PACS1-related disorder. Also called: PACS1-related condition.
Schuurs-Hoeijmakers syndrome. Also called: PACS1-Related Neurodevelopmental Disorder. Identifiers: Orphanet 329224, MedGen C3554343, MONDO:0014006, OMIM 615009.

gnomAD v4.1: 2 of 1,612,850 alleles (0.00012%); highest among the groups gnomAD compares: Non-Finnish European, 0.00017%; no homozygotes.

Submissions (2):

Labcorp Genetics (formerly Invitae), Labcorp
Classification: Likely benign for Schuurs-Hoeijmakers syndrome. Last evaluated: 2025-06-10. Review status: criteria provided, single submitter. Criteria: Invitae Variant Classification Sherloc (09022015). Collection method: clinical testing. Allele origin: germline.

PreventionGenetics, part of Exact Sciences
Classification: Likely benign for PACS1-related condition. Last evaluated: 2025-03-01. Review status: criteria provided, single submitter. Criteria: ACMG Guidelines, 2015. Collection method: clinical testing. Allele origin: germline.
Comment: This variant is classified as likely benign based on ACMG/AMP sequence variant interpretation guidelines (Richards et al. 2015 PMID: 25741868, with internal and published modifications).

NM_018026.4(PACS1):c.1839-8C>T

Gene: PACS1 (phosphofurin acidic cluster sorting protein 1; plus strand). Cytogenetic location: 11q13.2.
Variant type: single nucleotide variant.
Coding change: c.1839-8C>T on transcript NM_018026.4 (MANE Select); 8 bases into the intron before coding-DNA position 1839, C replaced by T.
Molecular consequence: intron variant.
Genome position (GRCh38, 1-based): chr11:66,233,777, C>T. VCF-style: chr11-66233777-C-T. GRCh37 (hg19) VCF-style: chr11-66001248-C-T.
Other names: c.1839-8C>T (NM_018026.3).
Identifiers: ClinVar variation 4805190 (VCV004805190.2).